The following is an entry in ClinVar:

NM_001943.5(DSG2):c.1188T>C (p.Tyr396=)

Gene: DSG2 (desmoglein 2; plus strand). Cytogenetic location: 18q12.1.
Variant type: single nucleotide variant.
Coding change: c.1188T>C on transcript NM_001943.5 (MANE Select); coding-DNA position 1188, T replaced by C.
Protein change: p.Tyr396=; no amino-acid change (tyrosine 396 retained).
Molecular consequence: synonymous variant.
Genome position (GRCh38, 1-based): chr18:31,531,160, T>C. VCF-style: chr18-31531160-T-C. GRCh37 (hg19) VCF-style: chr18-29111123-T-C.
Identifiers: ClinVar variation 1171759 (VCV001171759.11), dbSNP rs751783277, ClinGen allele CA041603.
Genomic context (GRCh38, chr18:31,531,160, plus strand): 5'-GGTCAAAGTGAAAAATGTGAAAGAAGGCATTCATTTTAAAAGCAGCGTCATCTCAATTTA[T>C]GTTAGCGAGAGCATGGATAGATCAAGCAAAGGCCAAATAATTGGAAATTTTCAAGCTTTT-3'
Protein context (NP_001934.2, residues 386-406): IHFKSSVISI[Tyr396=]VSESMDRSSK

ClinVar aggregate classification (germline): Likely benign. Review status: criteria provided, multiple submitters, no conflicts (2 of 4 stars). 3 submissions from 3 submitters: Likely benign (3). Last evaluated 2025-07-23.

Conditions:
Arrhythmogenic right ventricular cardiomyopathy (ARVD). Also called: Cardiomyopathy, ARVC; Arrhythmogenic right ventricular dysplasia; Arrhythmogenic cardiomyopathy; Arrhythmogenic Right Ventricular Cardiomyopathy (ARVC). Identifiers: Orphanet 247, MedGen C0349788, MeSH D019571, MONDO:0016587. Disease mechanism: loss of function. Inheritance: Various modes of inheritance.
Cardiomyopathy (CMYO). Also called: Cardiomyopathies. Identifiers: Orphanet 167848, MedGen C0878544, MONDO:0004994, HP:0001638. Inheritance: Various modes of inheritance.
Arrhythmogenic right ventricular dysplasia 10. Also called: Arrhythmogenic Right Ventricular Dysplasia/Cardiomyopathy10; ARRHYTHMOGENIC RIGHT VENTRICULAR DYSPLASIA, FAMILIAL, 10; Arrhythmogenic right ventricular dysplasia/cardiomyopathy, type 10. Identifiers: MedGen C1857777, MONDO:0012434, OMIM 610193.

Allele frequency attached by ClinVar (database versions not stated): gnomAD exomes below 0.00001; TOPMed below 0.00001; ExAC 0.00001.

Submissions (3):

Labcorp Genetics (formerly Invitae), Labcorp
Classification: Likely benign for Arrhythmogenic right ventricular dysplasia 10. Last evaluated: 2025-07-23. Review status: criteria provided, single submitter. Criteria: Invitae Variant Classification Sherloc (09022015). Collection method: clinical testing. Allele origin: germline.

All of Us Research Program, National Institutes of Health
Classification: Likely benign for Arrhythmogenic right ventricular cardiomyopathy. Last evaluated: 2023-03-28. Review status: criteria provided, single submitter. Criteria: ACMG Guidelines, 2015. Collection method: clinical testing. Allele origin: germline. Inheritance: Autosomal dominant inheritance. Observed: 1 variant allele, 1 heterozygote.
Comment: This study involves interpretation of variants in research participants for the purpose of population health screening. Participant phenotype was not available at the time of variant classification. Additional details can be found in publication PMID: 35346344, PMCID: PMC8962531

Color Diagnostics, LLC DBA Color Health
Classification: Likely benign for Cardiomyopathy. Last evaluated: 2020-12-01. Review status: criteria provided, single submitter. Criteria: ACMG Guidelines, 2015. Collection method: clinical testing. Allele origin: germline.